The following is an entry in ClinVar:

ClinVar aggregate classification (germline): Conflicting classifications of pathogenicity. Review status: criteria provided, conflicting classifications (1 of 4 stars). 3 submissions from 3 submitters: Uncertain significance (1); Likely benign (2). Last evaluated 2024-04-02.

Conditions:
Cardiomyopathy (CMYO). Also called: Cardiomyopathies. Identifiers: Orphanet 167848, MedGen C0878544, MONDO:0004994, HP:0001638. Inheritance: Various modes of inheritance.

gnomAD v4.1: 23 of 1,613,970 alleles (0.0014%); highest among the groups gnomAD compares: East Asian, 0.0022%; no homozygotes.

Submissions (3):

Mayo Clinic Laboratories, Mayo Clinic
Classification: Uncertain significance. Last evaluated: 2024-04-02. Review status: criteria provided, single submitter. Criteria: ACMG Guidelines, 2015. Collection method: clinical testing. Allele origin: germline. Observed: 1 variant allele.
Comment: BP4

CHEO Genetics Diagnostic Laboratory, Children's Hospital of Eastern Ontario
Classification: Likely benign for Cardiomyopathy. Last evaluated: 2023-04-28. Review status: criteria provided, single submitter. Criteria: ACMG Guidelines, 2015. Collection method: clinical testing. Allele origin: germline.

Blueprint Genetics
Classification: Likely benign. Last evaluated: 2022-03-22. Review status: criteria provided, single submitter. Criteria: ACMG Guidelines, 2015. Collection method: clinical testing. Allele origin: germline.

NM_001267550.2(TTN):c.1521C>G (p.His507Gln)

Gene: TTN (titin; minus strand). Cytogenetic location: 2q31.2.
Variant type: single nucleotide variant.
Coding change: c.1521C>G on transcript NM_001267550.2 (MANE Select); coding-DNA position 1521, C replaced by G.
Protein change: p.His507Gln; replaces histidine 507 with glutamine.
Molecular consequence: missense variant.
Genome position (GRCh38, 1-based): chr2:178,793,419, G>C on the plus strand (C>G on the coding strand, the complement: TTN is on the minus strand). VCF-style: chr2-178793419-G-C. GRCh37 (hg19) VCF-style: chr2-179658146-G-C.
Other names: p.His507Gln; c.1521C>G, p.His507Gln (NM_001256850.1, NM_003319.4, NM_133378.4 and 3 more transcripts); short protein forms H507Q.
Identifiers: ClinVar variation 2691059 (VCV002691059.3), dbSNP rs372875660, ClinGen allele CA2006032.